The following is an entry in ClinVar:

NM_001111125.3(IQSEC2):c.2781CCT[1] (p.Leu929del)

Gene: IQSEC2 (IQ motif and Sec7 domain ArfGEF 2; minus strand). Cytogenetic location: Xp11.22.
Variant type: Microsatellite.
Coding change: c.2781CCT[1] on transcript NM_001111125.3 (MANE Select); one copy of the 3-base unit CCT starting at c.2781; the reference has two copies in a row; one copy, 3 bases deleted.
Protein change: p.Leu929del; deletes leucine 929.
Molecular consequence: inframe deletion.
Genome position (GRCh38, 1-based): chrX:53,243,435-53,243,437, AGG deleted on the plus strand (CCT on the coding strand, the reverse complement: IQSEC2 is on the minus strand); deleting any 3 consecutive bases within chrX:53,243,435-53,243,440 gives the same sequence; the position shown is the placement nearest the transcript's 3' end. VCF-style (leftmost placement, unchanged base first): chrX-53243434-CAGG-C. GRCh37 (hg19) VCF-style: chrX-53272616-CAGG-C.
Other names: c.2784_2786delCCT (NM_001111125.3); c.2166CCT[1], p.Leu724del (NM_015075.2); short protein forms L724del, L929del.
Identifiers: ClinVar variation 645349 (VCV000645349.12), dbSNP rs1602271471, ClinGen allele CA915951126.
Genomic context (GRCh38, chrX:53,243,434, plus strand): 5'-GGACACATGGTCATCGTTGGTCCGCAGTTCACGCCCCTGGATGCGCTGGTAGATGCCCAC[CAGG>C]AGGTCTCGGGGGATGTCTTCACCATTGTCAACCCCTGGGGGAGGGAGTAACACAGGGATA-3'

ClinVar aggregate classification (germline): Uncertain significance. Review status: criteria provided, multiple submitters, no conflicts (2 of 4 stars). 2 submissions from 2 submitters: Uncertain significance (2). Last evaluated 2023-10-30.

Conditions:
Intellectual developmental disorder, X-linked 1. Also called: MENTAL RETARDATION, X-LINKED 18; MENTAL RETARDATION, X-LINKED 78; Atkin Flaitz Patil Smith syndrome; Intellectual disability, X-linked 1. Identifiers: Orphanet 777, MedGen C2931498, MONDO:0010656, OMIM 309530.

Submissions (2):

Women's Health and Genetics/Laboratory Corporation of America, LabCorp
Classification: Uncertain significance. Last evaluated: 2023-10-30. Review status: criteria provided, single submitter. Criteria: LabCorp Variant Classification Summary - May 2015. Collection method: clinical testing. Allele origin: germline.
Comment: Variant summary: IQSEC2 c.2784_2786delCCT (p.Leu929del) results in an in-frame deletion that is predicted to remove 1 amino acid from the encoded protein. The variant was absent in 127827 control chromosomes (gnomAD). The available data on variant occurrences in the general population are insufficient to allow any conclusion about variant significance. To our knowledge, no occurrence of c.2784_2786delCCT in individuals affected with Intellectual Disability, X-Linked 1 and no experimental evidence demonstrating its impact on protein function have been reported. One submitter has cited a clinical-significance assessment for this variant to ClinVar after 2014 and has classified the variant as uncertain significance. Based on the evidence outlined above, the variant was classified as uncertain significance.

Labcorp Genetics (formerly Invitae), Labcorp
Classification: Uncertain significance for Intellectual developmental disorder, X-linked 1. Last evaluated: 2023-06-13. Review status: criteria provided, single submitter. Criteria: Invitae Variant Classification Sherloc (09022015). Collection method: clinical testing. Allele origin: germline.
Comment: Experimental studies and prediction algorithms are not available or were not evaluated, and the functional significance of this variant is currently unknown. In summary, the available evidence is currently insufficient to determine the role of this variant in disease. Therefore, it has been classified as a Variant of Uncertain Significance. ClinVar contains an entry for this variant (Variation ID: 645349). This variant, c.2784_2786del, results in the deletion of 1 amino acid(s) of the IQSEC2 protein (p.Leu929del), but otherwise preserves the integrity of the reading frame. This variant is not present in population databases (gnomAD no frequency). This variant has not been reported in the literature in individuals affected with IQSEC2-related conditions.